The following is an entry in ClinVar:

NM_018230.3(NUP133):c.3420C>T (p.Phe1140=)

Gene: NUP133 (nucleoporin 133; minus strand). Cytogenetic location: 1q42.13.
Variant type: single nucleotide variant.
Coding change: c.3420C>T on transcript NM_018230.3 (MANE Select); coding-DNA position 3420, C replaced by T.
Protein change: p.Phe1140=; no amino-acid change (phenylalanine 1140 retained).
Molecular consequence: synonymous variant.
Genome position (GRCh38, 1-based): chr1:229,441,955, G>A on the plus strand (C>T on the coding strand, the complement: NUP133 is on the minus strand). VCF-style: chr1-229441955-G-A. GRCh37 (hg19) VCF-style: chr1-229577702-G-A.
Other names: c.3420C>T (NM_018230.2).
Identifiers: ClinVar variation 2640062 (VCV002640062.28), dbSNP rs774469204, ClinGen allele CA1442996.

ClinVar aggregate classification (germline): Likely benign. Review status: criteria provided, multiple submitters, no conflicts (2 of 4 stars). 3 submissions from 3 submitters: Likely benign (2). 1 of the submissions does not count toward it. Last evaluated 2026-01-08.

Conditions:
NUP133-related disorder. Also called: NUP133-related condition.

Allele frequency attached by ClinVar (database versions not stated): ExAC 0.00014; gnomAD 0.00025; TOPMed 0.00032.
gnomAD v4.1: 414 of 1,584,508 alleles (0.026%); highest among the groups gnomAD compares: Admixed American, 0.13%; no homozygotes.

Submissions (3):

Labcorp Genetics (formerly Invitae), Labcorp
Classification: Likely benign. Last evaluated: 2026-01-08. Review status: criteria provided, single submitter. Criteria: Invitae Variant Classification Sherloc (09022015). Collection method: clinical testing. Allele origin: germline.

CeGaT Center for Human Genetics Tuebingen
Classification: Likely benign. Last evaluated: 2023-01-01. Review status: criteria provided, single submitter. Criteria: CeGaT Center For Human Genetics Tuebingen Variant Classification Criteria Version 2. Collection method: clinical testing. Allele origin: germline. Affected: yes. Observed: 1 variant allele.
Comment: NUP133: BP4, BP7

PreventionGenetics, part of Exact Sciences
Classification: Likely benign for NUP133-related condition. Last evaluated: 2021-04-29. Review status: no assertion criteria provided. Collection method: clinical testing. Allele origin: germline. Not counted in ClinVar's aggregate classification.
Comment: This variant is classified as likely benign based on ACMG/AMP sequence variant interpretation guidelines (Richards et al. 2015 PMID: 25741868, with internal and published modifications).